The following is an entry in ClinVar:

ClinVar aggregate classification (germline): Benign/Likely benign. Review status: criteria provided, multiple submitters, no conflicts (2 of 4 stars). 2 submissions from 2 submitters: Benign (1); Likely benign (1). Last evaluated 2025-10-14.

Allele frequency attached by ClinVar (database versions not stated): TOPMed 0.00003; gnomAD 0.00004; gnomAD exomes 0.00012; 1000 Genomes Project 0.00040; ExAC 0.00048; 1000 Genomes Project 30x 0.00062.
gnomAD v4.1: 195 of 1,608,528 alleles (0.012%); highest among the groups gnomAD compares: South Asian, 0.19%; 2 homozygotes.

Submissions (2):

Labcorp Genetics (formerly Invitae), Labcorp
Classification: Benign. Last evaluated: 2025-10-14. Review status: criteria provided, single submitter. Criteria: Invitae Variant Classification Sherloc (09022015). Collection method: clinical testing. Allele origin: germline.

CeGaT Center for Human Genetics Tuebingen
Classification: Likely benign. Last evaluated: 2025-08-01. Review status: criteria provided, single submitter. Criteria: CeGaT Center For Human Genetics Tuebingen Variant Classification Criteria Version 2. Collection method: clinical testing. Allele origin: germline. Affected: yes. Observed: 1 variant allele.
Comment: TRRAP: BP4, BP7

NM_001375524.1(TRRAP):c.8733C>T (p.Ile2911=)

Gene: TRRAP (transformation/transcription domain associated protein; plus strand). Cytogenetic location: 7q22.1.
Variant type: single nucleotide variant.
Coding change: c.8733C>T on transcript NM_001375524.1 (MANE Select); coding-DNA position 8733, C replaced by T.
Protein change: p.Ile2911=; no amino-acid change (isoleucine 2911 retained).
Molecular consequence: synonymous variant.
Genome position (GRCh38, 1-based): chr7:98,981,867, C>T. VCF-style: chr7-98981867-C-T. GRCh37 (hg19) VCF-style: chr7-98579490-C-T.
Other names: c.8712C>T, p.Ile2904= (NM_001244580.2); c.8658C>T, p.Ile2886= (NM_003496.4).
Identifiers: ClinVar variation 2144763 (VCV002144763.12), dbSNP rs367677408, ClinGen allele CA4361523.